The following is an entry in ClinVar:

NM_030973.4(MED25):c.1785C>T (p.Thr595=)

Gene: MED25 (mediator complex subunit 25; plus strand). Cytogenetic location: 19q13.33.
Variant type: single nucleotide variant.
Coding change: c.1785C>T on transcript NM_030973.4 (MANE Select); coding-DNA position 1785, C replaced by T.
Protein change: p.Thr595=; no amino-acid change (threonine 595 retained).
Molecular consequence: synonymous variant.
Genome position (GRCh38, 1-based): chr19:49,835,765, C>T. VCF-style: chr19-49835765-C-T. GRCh37 (hg19) VCF-style: chr19-50339022-C-T.
Other names: c.1785C>T, p.Thr595= (NM_001378355.1); c.1785C>T (NM_030973.3).
Identifiers: ClinVar variation 1585612 (VCV001585612.11), dbSNP rs530025381, ClinGen allele CA9585380.

ClinVar aggregate classification (germline): Likely benign. Review status: criteria provided, multiple submitters, no conflicts (2 of 4 stars). 3 submissions from 3 submitters: Likely benign (2). 1 of the submissions does not count toward it. Last evaluated 2026-08-01.

Conditions:
Charcot-Marie-Tooth disease type 2. Also called: Charcot-Marie-Tooth type 2. Identifiers: Orphanet 64746, MedGen C0270914, MONDO:0018993.
MED25-related disorder. Also called: MED25-related condition.

Allele frequency attached by ClinVar (database versions not stated): gnomAD 0.00005; TOPMed 0.00006; gnomAD exomes 0.00010; ExAC 0.00011.
gnomAD v4.1: 40 of 1,609,714 alleles (0.0025%); highest among the groups gnomAD compares: East Asian, 0.071%; no homozygotes.

Submissions (3):

CeGaT Center for Human Genetics Tuebingen
Classification: Likely benign. Last evaluated: 2026-08-01. Review status: criteria provided, single submitter. Criteria: CeGaT Center For Human Genetics Tuebingen Variant Classification Criteria Version 2. Collection method: clinical testing. Allele origin: germline. Affected: yes. Observed: 1 variant allele.
Comment: MED25: BP4, BP7

Labcorp Genetics (formerly Invitae), Labcorp
Classification: Likely benign for Charcot-Marie-Tooth disease type 2. Last evaluated: 2024-07-12. Review status: criteria provided, single submitter. Criteria: Invitae Variant Classification Sherloc (09022015). Collection method: clinical testing. Allele origin: germline.

PreventionGenetics, part of Exact Sciences
Classification: Likely benign for MED25-related condition. Last evaluated: 2019-04-01. Review status: no assertion criteria provided. Collection method: clinical testing. Allele origin: germline. Not counted in ClinVar's aggregate classification.
Comment: This variant is classified as likely benign based on ACMG/AMP sequence variant interpretation guidelines (Richards et al. 2015 PMID: 25741868, with internal and published modifications).